The following is an entry in ClinVar:

NM_001170700.3(DTHD1):c.2710G>A (p.Ala904Thr)

Gene: DTHD1 (death domain containing 1; plus strand). Cytogenetic location: 4p14.
Variant type: single nucleotide variant.
Coding change: c.2710G>A on transcript NM_001170700.3 (MANE Select); coding-DNA position 2710, G replaced by A.
Protein change: p.Ala904Thr; replaces alanine 904 with threonine.
Molecular consequence: missense variant. On other transcripts: synonymous variant (1), non-coding transcript variant (2).
Genome position (GRCh38, 1-based): chr4:36,343,813, G>A. VCF-style: chr4-36343813-G-A. GRCh37 (hg19) VCF-style: chr4-36345435-G-A.
Other names: c.1840G>A, p.Ala614Thr (NM_001136536.5); c.1719G>A, p.Ter573= (NM_001378435.1); short protein forms A614T, A904T.
Identifiers: ClinVar variation 999334 (VCV000999334.8), dbSNP rs1759460268, ClinGen allele CA356682698.

ClinVar aggregate classification (germline): Uncertain significance (1 of 4 stars; one submission).

Submission:

Labcorp Genetics (formerly Invitae), Labcorp
Classification: Uncertain significance. Last evaluated: 2022-10-13. Review status: criteria provided, single submitter. Criteria: Invitae Variant Classification Sherloc (09022015). Collection method: clinical testing. Allele origin: germline.
Comment: This sequence change replaces alanine, which is neutral and non-polar, with threonine, which is neutral and polar, at codon 614 of the DTHD1 protein (p.Ala614Thr). This variant is not present in population databases (gnomAD no frequency). This variant has not been reported in the literature in individuals affected with DTHD1-related conditions. ClinVar contains an entry for this variant (Variation ID: 999334). Algorithms developed to predict the effect of missense changes on protein structure and function output the following: SIFT: "Deleterious"; PolyPhen-2: "Benign"; Align-GVGD: "Class C0". The threonine amino acid residue is found in multiple mammalian species, which suggests that this missense change does not adversely affect protein function. In summary, the available evidence is currently insufficient to determine the role of this variant in disease. Therefore, it has been classified as a Variant of Uncertain Significance.